The following is an entry in ClinVar:

ClinVar aggregate classification (germline): Benign (0 of 4 stars; one submission).

Conditions:
RECQL5-related disorder. Also called: RECQL5-related condition.

Allele frequency attached by ClinVar (database versions not stated): 1000 Genomes Project 30x 0.22736; 1000 Genomes Project 0.22843; TOPMed 0.27542; ExAC 0.27674; gnomAD 0.27908; ESP Exome Variant Server 0.29072; gnomAD exomes 0.31133.
gnomAD v4.1: 497,096 of 1,613,148 alleles (31%); highest among the groups gnomAD compares: Middle Eastern, 36%; 79,125 homozygotes.

Submission:

PreventionGenetics, part of Exact Sciences
Classification: Benign for RECQL5-related condition. Last evaluated: 2019-10-30. Review status: no assertion criteria provided. Collection method: clinical testing. Allele origin: germline.
Comment: This variant is classified as benign based on ACMG/AMP sequence variant interpretation guidelines (Richards et al. 2015 PMID: 25741868, with internal and published modifications).

NM_004259.7(RECQL5):c.2217C>T (p.Ser739=)

Gene: RECQL5 (RecQ like helicase 5; minus strand). Cytogenetic location: 17q25.1.
Variant type: single nucleotide variant.
Coding change: c.2217C>T on transcript NM_004259.7 (MANE Select); coding-DNA position 2217, C replaced by T.
Protein change: p.Ser739=; no amino-acid change (serine 739 retained).
Molecular consequence: synonymous variant.
Genome position (GRCh38, 1-based): chr17:75,629,206, G>A on the plus strand (C>T on the coding strand, the complement: RECQL5 is on the minus strand). VCF-style: chr17-75629206-G-A. GRCh37 (hg19) VCF-style: chr17-73625286-G-A.
Identifiers: ClinVar variation 3059311 (VCV003059311.2), dbSNP rs820190, ClinGen allele CA8767134.